The following is an entry in ClinVar:

NC_000020.10:g.(?_8665559)_(8770928_?)dup

Gene: PLCB1 (phospholipase C beta 1; plus strand). Cytogenetic location: 20p12.3.
Variant type: Duplication.
Identifiers: ClinVar variation 3248295 (VCV003248295.1).

ClinVar aggregate classification (germline): Likely pathogenic (1 of 4 stars; one submission).

Conditions:
Developmental and epileptic encephalopathy, 12 (DEE12). Identifiers: MedGen C3150988, MONDO:0013389, OMIM 613722.

Submission:

Labcorp Genetics (formerly Invitae), Labcorp
Classification: Likely pathogenic for Developmental and epileptic encephalopathy, 12. Last evaluated: 2024-01-05. Review status: criteria provided, single submitter. Criteria: Invitae Variant Classification Sherloc (09022015). Collection method: clinical testing. Allele origin: unknown.
Comment: This variant results in a copy number gain of the genomic region encompassing exon(s) 10-31 of the PLCB1 gene. While the exact position of this variant cannot be determined from the data, sub-genic copy number gains are generally in tandem (PMID: 25640679). This variant is predicted to be out-of-frame, and may result in an absent or disrupted protein product. Loss-of-function variants in PLCB1 are known to be pathogenic (PMID: 24684524). This variant has not been reported in the literature in individuals affected with PLCB1-related conditions. In summary, the currently available evidence indicates that the variant is pathogenic, but additional data are needed to prove that conclusively. Therefore, this variant has been classified as Likely Pathogenic.

Literature cited by the submitters: PubMed 25640679; PubMed 24684524.